The following is an entry in ClinVar:

NM_004082.5(DCTN1):c.3407A>G (p.His1136Arg)

Gene: DCTN1 (dynactin subunit 1; minus strand). Cytogenetic location: 2p13.1.
Variant type: single nucleotide variant.
Coding change: c.3407A>G on transcript NM_004082.5 (MANE Select); coding-DNA position 3407, A replaced by G.
Protein change: p.His1136Arg; replaces histidine 1136 with arginine.
Molecular consequence: missense variant. On other transcripts: non-coding transcript variant (1).
Genome position (GRCh38, 1-based): chr2:74,363,116, T>C on the plus strand (A>G on the coding strand, the complement: DCTN1 is on the minus strand). VCF-style: chr2-74363116-T-C. GRCh37 (hg19) VCF-style: chr2-74590243-T-C.
Other names: c.3332A>G, p.His1111Arg (NM_001135040.3); c.2990A>G, p.His997Arg (NM_001135041.3); c.3281A>G, p.His1094Arg (NM_001190836.2); c.3386A>G, p.His1129Arg (NM_001190837.2); c.3356A>G, p.His1119Arg (NM_001378991.1); c.3338A>G, p.His1113Arg (NM_001378992.1); c.3005A>G, p.His1002Arg (NM_023019.4); short protein forms H1111R, H997R, H1113R, H1119R, H1129R, H1136R, H1002R, H1094R.
Identifiers: ClinVar variation 950607 (VCV000950607.10), dbSNP rs1674138994, ClinGen allele CA347337304.

ClinVar aggregate classification (germline): Uncertain significance (1 of 4 stars; one submission).

Conditions:
Amyotrophic lateral sclerosis type 1 (ALS1). Also called: AMYOTROPHIC LATERAL SCLEROSIS 1, FAMILIAL. Identifiers: Orphanet 803, MedGen C1862939, MONDO:0007103, OMIM 105400.
Perry syndrome. Also called: PARKINSONISM WITH ALVEOLAR HYPOVENTILATION AND MENTAL DEPRESSION. Identifiers: Orphanet 178509, MedGen C1868594, MONDO:0008201, OMIM 168605.
Neuronopathy, distal hereditary motor, type 7B. Also called: LOWER MOTOR NEURON DISEASE, DYNACTIN TYPE; NEURONOPATHY, DISTAL HEREDITARY MOTOR, AUTOSOMAL DOMINANT 14; NEURONOPATHY, DISTAL HEREDITARY MOTOR, HARDING TYPE VIIB; NEUROPATHY, DISTAL HEREDITARY MOTOR, HARDING TYPE VIIB; NEUROPATHY, DISTAL HEREDITARY MOTOR, WITH VOCAL CORD PARALYSIS, HARDING TYPE VIIB; Distal Hereditary Motor Neuronopathy Type 7B (dHMN7B). Identifiers: Orphanet 139589, MedGen C1843315, MONDO:0011879, OMIM 607641.

Allele frequency attached by ClinVar (database versions not stated): TOPMed below 0.00001; gnomAD exomes below 0.00001.
gnomAD v4.1: 2 of 1,613,906 alleles (0.00012%); highest among the groups gnomAD compares: Non-Finnish European, 0.00017%; no homozygotes.

Submission:

Labcorp Genetics (formerly Invitae), Labcorp
Classification: Uncertain significance for Amyotrophic lateral sclerosis type 1; Neuronopathy, distal hereditary motor, type 7B; Perry syndrome. Last evaluated: 2019-07-12. Review status: criteria provided, single submitter. Criteria: Invitae Variant Classification Sherloc (09022015). Collection method: clinical testing. Allele origin: germline.
Comment: This sequence change replaces histidine with arginine at codon 1136 of the DCTN1 protein (p.His1136Arg). The histidine residue is highly conserved and there is a small physicochemical difference between histidine and arginine. This variant is not present in population databases (ExAC no frequency). This variant has not been reported in the literature in individuals with DCTN1-related conditions. Algorithms developed to predict the effect of missense changes on protein structure and function output the following: SIFT: "Tolerated"; PolyPhen-2: "Benign"; Align-GVGD: "Class C0". The arginine amino acid residue is found in multiple mammalian species, suggesting that this missense change does not adversely affect protein function. These predictions have not been confirmed by published functional studies and their clinical significance is uncertain. Algorithms developed to predict the effect of sequence changes on RNA splicing suggest that this variant may create or strengthen a splice site, but this prediction has not been confirmed by published transcriptional studies. In summary, the available evidence is currently insufficient to determine the role of this variant in disease. Therefore, it has been classified as a Variant of Uncertain Significance.